The following is an entry in ClinVar:

NM_001048174.2(MUTYH):c.850-3C>T

Gene: MUTYH (mutY DNA glycosylase; minus strand). Cytogenetic location: 1p34.1.
Variant type: single nucleotide variant.
Coding change: c.850-3C>T on transcript NM_001048174.2 (MANE Select); 3 bases into the intron before coding-DNA position 850, C replaced by T.
Molecular consequence: intron variant.
Genome position (GRCh38, 1-based): chr1:45,332,089, G>A on the plus strand (C>T on the coding strand, the complement: MUTYH is on the minus strand). VCF-style: chr1-45332089-G-A. GRCh37 (hg19) VCF-style: chr1-45797761-G-A.
Other names: c.505-3C>T (NM_001350651.2, NM_001350650.2); c.574-3C>T (NM_001293192.2, NM_001293196.2); c.850-3C>T (NM_001048171.2, NM_001048173.2, NM_001293195.2); c.895-3C>T (NM_001293190.2); c.925-3C>T (NM_012222.3); c.934-3C>T (NM_001128425.2); c.853-3C>T (NM_001048172.2); c.883-3C>T (NM_001293191.2).
Identifiers: ClinVar variation 823178 (VCV000823178.5), dbSNP rs1570396211, ClinGen allele CA915941266.

ClinVar aggregate classification (germline): Uncertain significance (1 of 4 stars; one submission).

Conditions:
Hereditary cancer-predisposing syndrome. Also called: Hereditary Cancer Syndrome; Tumor predisposition; Neoplastic Syndromes, Hereditary; Hereditary neoplastic syndrome. Identifiers: Orphanet 140162, MedGen C0027672, MeSH D009386, MONDO:0015356.

Submission:

Ambry Genetics
Classification: Uncertain significance for Hereditary cancer-predisposing syndrome. Last evaluated: 2026-02-11. Review status: criteria provided, single submitter. Criteria: Ambry Variant Classification Scheme 2023. Collection method: clinical testing. Allele origin: germline.
Comment: The c.934-3C>T intronic variant results from a C to T substitution 3 nucleotides upstream from coding exon 11 in the MUTYH gene. This nucleotide position is well conserved in available vertebrate species. In silico splice site analysis predicts that this alteration will not have any significant effect on splicing. Based on the available evidence, the clinical significance of this variant remains unclear.